The following is an entry in ClinVar:

ClinVar aggregate classification (germline): Uncertain significance (1 of 4 stars; one submission).

Conditions:
Hereditary spastic paraplegia 11. Also called: Spastic paraplegia, mental retardation and thin corpus callosum; SPASTIC PARAPLEGIA, AUTOSOMAL RECESSIVE, COMPLICATED, WITH THIN CORPUS CALLOSUM; SPASTIC PARAPLEGIA, AUTOSOMAL RECESSIVE, WITH MENTAL IMPAIRMENT AND THIN CORPUS CALLOSUM; Nakamura Osame syndrome; Autosomal recessive hereditary spastic paraplegia, mental impairment, and thin corpus callosum; Spastic Paraplegia 11. Identifiers: Orphanet 2822, MedGen C1858479, MONDO:0011445, OMIM 604360.

gnomAD v4.1: 2 of 1,614,182 alleles (0.00012%); highest among the groups gnomAD compares: Non-Finnish European, 0.00017%; no homozygotes.

Submission:

Labcorp Genetics (formerly Invitae), Labcorp
Classification: Uncertain significance for Hereditary spastic paraplegia 11. Last evaluated: 2018-06-19. Review status: criteria provided, single submitter. Criteria: Invitae Variant Classification Sherloc (09022015). Collection method: clinical testing. Allele origin: germline.
Comment: In summary, the available evidence is currently insufficient to determine the role of this variant in disease. Therefore, it has been classified as a Variant of Uncertain Significance. Algorithms developed to predict the effect of missense changes on protein structure and function output the following: SIFT: "Tolerated"; PolyPhen-2: "Benign"; Align-GVGD: "Class C0". The aspartic acid amino acid residue is found in multiple mammalian species, suggesting that this missense change does not adversely affect protein function. These predictions have not been confirmed by published functional studies and their clinical significance is uncertain. This variant has not been reported in the literature in individuals with SPG11-related disease. This variant is not present in population databases (ExAC no frequency). This sequence change replaces glutamic acid with aspartic acid at codon 1925 of the SPG11 protein (p.Glu1925Asp). The glutamic acid residue is weakly conserved and there is a small physicochemical difference between glutamic acid and aspartic acid.

NM_025137.4(SPG11):c.5775G>C (p.Glu1925Asp)

Gene: SPG11 (SPG11 vesicle trafficking associated, spatacsin; minus strand). Cytogenetic location: 15q21.1.
Variant type: single nucleotide variant.
Coding change: c.5775G>C on transcript NM_025137.4 (MANE Select); coding-DNA position 5775, G replaced by C.
Protein change: p.Glu1925Asp; replaces glutamic acid 1925 with aspartic acid.
Molecular consequence: missense variant.
Genome position (GRCh38, 1-based): chr15:44,583,905, C>G on the plus strand (G>C on the coding strand, the complement: SPG11 is on the minus strand). VCF-style: chr15-44583905-C-G. GRCh37 (hg19) VCF-style: chr15-44876103-C-G.
Other names: c.5775G>C, p.Glu1925Asp (NM_001160227.2); short protein forms E1925D.
Identifiers: ClinVar variation 573635 (VCV000573635.8), dbSNP rs1567138139, ClinGen allele CA392221287.